The following is an entry in ClinVar:

NM_014874.4(MFN2):c.522T>C (p.His174=)

Gene: MFN2 (mitofusin 2; plus strand). Cytogenetic location: 1p36.22.
Variant type: single nucleotide variant.
Coding change: c.522T>C on transcript NM_014874.4 (MANE Select); coding-DNA position 522, T replaced by C.
Protein change: p.His174=; no amino-acid change (histidine 174 retained).
Molecular consequence: synonymous variant.
Genome position (GRCh38, 1-based): chr1:11,997,344, T>C. VCF-style: chr1-11997344-T-C. GRCh37 (hg19) VCF-style: chr1-12057401-T-C.
Other names: c.522T>C, p.His174= (NM_001127660.2).
Identifiers: ClinVar variation 385692 (VCV000385692.44), dbSNP rs762789747, ClinGen allele CA598847.

ClinVar aggregate classification (germline): Benign/Likely benign. Review status: criteria provided, multiple submitters, no conflicts (2 of 4 stars). 8 submissions from 7 submitters: Benign (1); Likely benign (6). 1 of the submissions does not count toward it. Last evaluated 2026-04-01.

Conditions:
MFN2-related disorder. Also called: MFN2-related condition; MFN2-related disorders.
Inborn genetic diseases. Identifiers: MedGen C0950123, MeSH D030342.
Charcot-Marie-Tooth disease type 2. Also called: Charcot-Marie-Tooth type 2. Identifiers: Orphanet 64746, MedGen C0270914, MONDO:0018993.
Hereditary motor and sensory neuropathy with optic atrophy. Also called: CHARCOT-MARIE-TOOTH DISEASE, TYPE 6; PERIPHERAL NEUROPATHY AND OPTIC ATROPHY. Identifiers: Orphanet 90120, MedGen C0393807, MONDO:0019551.

Allele frequency attached by ClinVar (database versions not stated): gnomAD 0.00003 and 0.00004; TOPMed 0.00004; gnomAD exomes 0.00007 and 0.00008; ExAC 0.00010.
gnomAD v4.1: 117 of 1,614,064 alleles (0.0072%); highest among the groups gnomAD compares: Non-Finnish European, 0.0093%; no homozygotes.

Submissions (8):

CeGaT Center for Human Genetics Tuebingen
Classification: Likely benign. Last evaluated: 2026-04-01. Review status: criteria provided, single submitter. Criteria: CeGaT Center For Human Genetics Tuebingen Variant Classification Criteria Version 2. Collection method: clinical testing. Allele origin: germline. Affected: yes. Observed: 3 variant alleles.
Comment: MFN2: BP4, BP7

Labcorp Genetics (formerly Invitae), Labcorp
Classification: Likely benign for Charcot-Marie-Tooth disease type 2. Last evaluated: 2025-10-19. Review status: criteria provided, single submitter. Criteria: Invitae Variant Classification Sherloc (09022015). Collection method: clinical testing. Allele origin: germline.

Blueprint Genetics
Classification: Likely benign. Last evaluated: 2024-08-24. Review status: criteria provided, single submitter. Criteria: ACMG Guidelines, 2015. Collection method: clinical testing. Allele origin: germline.

GeneDx
Classification: Likely benign. Last evaluated: 2020-08-10. Review status: criteria provided, single submitter. Criteria: GeneDx Variant Classification Process June 2021. Collection method: clinical testing. Allele origin: germline. Affected: yes.

Ambry Genetics
Classification: Likely benign for Inborn genetic diseases. Last evaluated: 2019-07-11. Review status: criteria provided, single submitter. Criteria: Ambry Variant Classification Scheme 2023. Collection method: clinical testing. Allele origin: germline.

Illumina Laboratory Services, Illumina
Classification: Likely benign for Charcot-Marie-Tooth disease, type 2. Last evaluated: 2018-01-12. Review status: criteria provided, single submitter. Criteria: ICSL Variant Classification Criteria 13 December 2019. Collection method: clinical testing. Allele origin: germline.
Comment: This variant was observed in the ICSL laboratory as part of a predisposition screen in an ostensibly healthy population. It had not been previously curated by ICSL or reported in the Human Gene Mutation Database (HGMD: prior to June 1st, 2018), and was therefore a candidate for classification through an automated scoring system. Utilizing variant allele frequency, disease prevalence and penetrance estimates, and inheritance mode, an automated score was calculated to assess if this variant is too frequent to cause the disease. Based on the score and internal cut-off values, a variant classified as likely benign is not then subjected to further curation. The score for this variant resulted in a classification of likely benign for this disease.

Illumina Laboratory Services, Illumina
Classification: Benign for Neuropathy, hereditary motor and sensory, type 6A. Last evaluated: 2018-01-12. Review status: criteria provided, single submitter. Criteria: ICSL Variant Classification Criteria 13 December 2019. Collection method: clinical testing. Allele origin: germline.
Comment: This variant was observed in the ICSL laboratory as part of a predisposition screen in an ostensibly healthy population. It had not been previously curated by ICSL or reported in the Human Gene Mutation Database (HGMD: prior to June 1st, 2018), and was therefore a candidate for classification through an automated scoring system. Utilizing variant allele frequency, disease prevalence and penetrance estimates, and inheritance mode, an automated score was calculated to assess if this variant is too frequent to cause the disease. Based on the score and internal cut-off values, a variant classified as benign is not then subjected to further curation. The score for this variant resulted in a classification of benign for this disease.

PreventionGenetics, part of Exact Sciences
Classification: Likely benign for MFN2-related condition. Last evaluated: 2019-08-29. Review status: no assertion criteria provided. Collection method: clinical testing. Allele origin: germline. Not counted in ClinVar's aggregate classification.
Comment: This variant is classified as likely benign based on ACMG/AMP sequence variant interpretation guidelines (Richards et al. 2015 PMID: 25741868, with internal and published modifications).